The following is an entry in ClinVar:

ClinVar aggregate classification (germline): Uncertain significance. Review status: criteria provided, multiple submitters, no conflicts (2 of 4 stars). 3 submissions from 3 submitters: Uncertain significance (3). Last evaluated 2024-03-29.

Conditions:
Hereditary cancer-predisposing syndrome. Also called: Hereditary Cancer Syndrome; Hereditary neoplastic syndrome; Neoplastic Syndromes, Hereditary; Tumor predisposition. Identifiers: Orphanet 140162, MedGen C0027672, MeSH D009386, MONDO:0015356.
Peutz-Jeghers syndrome (PJS). Also called: POLYPOSIS, HAMARTOMATOUS INTESTINAL; POLYPS-AND-SPOTS SYNDROME; Peutz-Jeghers polyposis; Periorificial lentiginosis syndrome. Identifiers: Orphanet 2869, MedGen C0031269, MeSH D010580, MONDO:0008280, OMIM 175200.

Allele frequency attached by ClinVar (database versions not stated): TOPMed 0.00001.

Submissions (3):

Ambry Genetics
Classification: Uncertain significance for Hereditary cancer-predisposing syndrome. Last evaluated: 2024-03-29. Review status: criteria provided, single submitter. Criteria: Ambry Variant Classification Scheme 2023. Collection method: clinical testing. Allele origin: germline.
Comment: The p.F366V variant (also known as c.1096T>G), located in coding exon 8 of the STK11 gene, results from a T to G substitution at nucleotide position 1096. The phenylalanine at codon 366 is replaced by valine, an amino acid with highly similar properties. This amino acid position is conserved. In addition, the in silico prediction for this alteration is inconclusive. Based on the available evidence, the clinical significance of this alteration remains unclear.

Color Diagnostics, LLC DBA Color Health
Classification: Uncertain significance for Hereditary cancer-predisposing syndrome. Last evaluated: 2023-12-04. Review status: criteria provided, single submitter. Criteria: ACMG Guidelines, 2015. Collection method: clinical testing. Allele origin: germline.
Comment: This missense variant replaces phenylalanine with valine at codon 366 of the STK11 protein. Computational prediction suggests that this variant may not impact protein structure and function (internally defined REVEL score threshold <= 0.5, PMID: 27666373). To our knowledge, functional studies have not been reported for this variant. This variant has not been reported in individuals affected with STK11-related disorders in the literature. This variant has not been identified in the general population by the Genome Aggregation Database (gnomAD). The available evidence is insufficient to determine the role of this variant in disease conclusively. Therefore, this variant is classified as a Variant of Uncertain Significance.

Labcorp Genetics (formerly Invitae), Labcorp
Classification: Uncertain significance for Peutz-Jeghers syndrome. Last evaluated: 2021-11-10. Review status: criteria provided, single submitter. Criteria: Invitae Variant Classification Sherloc (09022015). Collection method: clinical testing. Allele origin: germline.
Comment: This variant is not present in population databases (gnomAD no frequency). In summary, the available evidence is currently insufficient to determine the role of this variant in disease. Therefore, it has been classified as a Variant of Uncertain Significance. Advanced modeling of protein sequence and biophysical properties (such as structural, functional, and spatial information, amino acid conservation, physicochemical variation, residue mobility, and thermodynamic stability) performed at Invitae indicates that this missense variant is not expected to disrupt STK11 protein function. ClinVar contains an entry for this variant (Variation ID: 919628). This variant has not been reported in the literature in individuals affected with STK11-related conditions. This sequence change replaces phenylalanine, which is neutral and non-polar, with valine, which is neutral and non-polar, at codon 366 of the STK11 protein (p.Phe366Val).

NM_000455.5(STK11):c.1096T>G (p.Phe366Val)

Genes: STK11 (serine/threonine kinase 11; plus strand), LOC130062899 (ATAC-STARR-seq lymphoblastoid active region 13597; plus strand). Cytogenetic location: 19p13.3.
Variant type: single nucleotide variant.
Coding change: c.1096T>G on transcript NM_000455.5 (MANE Select); coding-DNA position 1096, T replaced by G.
Protein change: p.Phe366Val; replaces phenylalanine 366 with valine.
Molecular consequence: missense variant.
Genome position (GRCh38, 1-based): chr19:1,223,160, T>G. VCF-style: chr19-1223160-T-G. GRCh37 (hg19) VCF-style: chr19-1223159-T-G.
Other names: short protein forms F366V.
Identifiers: ClinVar variation 919628 (VCV000919628.11), dbSNP rs767100677, ClinGen allele CA304028955.
Genomic context (GRCh38, chr19:1,223,160, plus strand): 5'-GGCGCGGACGAGGACGAGGACCTCTTCGACATCGAGGATGACATCATCTACACTCAGGAC[T>G]TCACGGTGCCCGGTGAGTCTGGCGGGGGCCCCTGCCCGGCTCTGCTGACTCGGCCAGGAT-3'
Protein context (NP_000446.1, residues 356-376): IEDDIIYTQD[Phe366Val]TVPGQVPEEE